The following is an entry in ClinVar:

NM_001267550.2(TTN):c.83820C>T (p.Asn27940=)

Genes: TTN (titin; minus strand), TTN-AS1 (TTN antisense RNA 1; plus strand). Cytogenetic location: 2q31.2.
Variant type: single nucleotide variant.
Coding change: c.83820C>T on transcript NM_001267550.2 (MANE Select); coding-DNA position 83820, C replaced by T.
Protein change: p.Asn27940=; no amino-acid change (asparagine 27940 retained).
Molecular consequence: synonymous variant.
Genome position (GRCh38, 1-based): chr2:178,562,312, G>A on the plus strand (C>T on the coding strand, the complement: TTN is on the minus strand). VCF-style: chr2-178562312-G-A. GRCh37 (hg19) VCF-style: chr2-179427039-G-A.
Other names: p.Asn25372=; c.56625C>T, p.Asn18875= (NM_003319.4); c.57000C>T, p.Asn19000= (NM_133432.3); c.57201C>T, p.Asn19067= (NM_133437.4); c.78897C>T, p.Asn26299= (NM_001256850.1); c.76116C>T, p.Asn25372= (NM_133378.4).
Identifiers: ClinVar variation 165792 (VCV000165792.22), dbSNP rs727503555, ClinGen allele CA178469.
Genomic context (GRCh38, chr2:178,562,312, plus strand): 5'-TTCAATATCCCTTGCAATTACTGGCACTCCAAGTTGTCTTGGATCACTTCTTCCCTTTTC[G>A]TTAACTGCAGCTACCCTGAAGACATACTCTTCTCCTGCAGTTAAGCCAGATATAGTTGCT-3'
Protein context (NP_001254479.2, residues 27930-27950): EEYVFRVAAV[Asn27940=]EKGRSDPRQL

ClinVar aggregate classification (germline): Likely benign. Review status: criteria provided, multiple submitters, no conflicts (2 of 4 stars). 7 submissions from 7 submitters: Likely benign (7). Last evaluated 2025-12-09.

Conditions:
Cardiovascular phenotype. Identifiers: MedGen CN230736.
TTN-related disorder. Also called: TTN-related condition; TTN-related disease; TTN-related disorders.
Dilated cardiomyopathy 1G (CMD1G). Identifiers: Orphanet 154, MedGen C1858763, MONDO:0011400, OMIM 604145.
Autosomal recessive limb-girdle muscular dystrophy type 2J (LGMDR10). Also called: Limb-girdle muscular dystrophy, type 2J; MUSCULAR DYSTROPHY, LIMB-GIRDLE, AUTOSOMAL RECESSIVE 10. Identifiers: Orphanet 140922, MedGen C1837342, MONDO:0012127, OMIM 608807.

Allele frequency attached by ClinVar (database versions not stated): gnomAD exomes 0.00002; TOPMed 0.00004; gnomAD 0.00007 and 0.00009.
gnomAD v4.1: 43 of 1,612,966 alleles (0.0027%); highest among the groups gnomAD compares: African/African-American, 0.0094%; 1 homozygote.

Submissions (7):

Labcorp Genetics (formerly Invitae), Labcorp
Classification: Likely benign for Dilated cardiomyopathy 1G; Autosomal recessive limb-girdle muscular dystrophy type 2J. Last evaluated: 2025-12-09. Review status: criteria provided, single submitter. Criteria: Invitae Variant Classification Sherloc (09022015). Collection method: clinical testing. Allele origin: germline.

PreventionGenetics, part of Exact Sciences
Classification: Likely benign for TTN-related condition. Last evaluated: 2025-10-14. Review status: criteria provided, single submitter. Criteria: ACMG Guidelines, 2015. Collection method: clinical testing. Allele origin: germline.
Comment: This variant is classified as likely benign based on ACMG/AMP sequence variant interpretation guidelines (Richards et al. 2015 PMID: 25741868, with internal and published modifications).

Mayo Clinic Laboratories, Mayo Clinic
Classification: Likely benign. Last evaluated: 2025-03-12. Review status: criteria provided, single submitter. Criteria: ACMG Guidelines, 2015. Collection method: clinical testing. Allele origin: germline. Observed: 1 variant allele.
Comment: BP4, BP7

Women's Health and Genetics/Laboratory Corporation of America, LabCorp
Classification: Likely benign. Last evaluated: 2021-02-22. Review status: criteria provided, single submitter. Criteria: LabCorp Variant Classification Summary - May 2015. Collection method: clinical testing. Allele origin: germline.

Ambry Genetics
Classification: Likely benign for Cardiovascular phenotype. Last evaluated: 2018-09-17. Review status: criteria provided, single submitter. Criteria: Ambry Variant Classification Scheme 2023. Collection method: clinical testing. Allele origin: germline.

GeneDx
Classification: Likely benign. Last evaluated: 2018-05-17. Review status: criteria provided, single submitter. Criteria: GeneDx Variant Classification Process June 2021. Collection method: clinical testing. Allele origin: germline. Affected: yes.

Laboratory for Molecular Medicine, Mass General Brigham Personalized Medicine
Classification: Likely benign. Last evaluated: 2014-02-27. Review status: criteria provided, single submitter. Criteria: LMM Criteria. Collection method: clinical testing. Allele origin: germline. Observed: 1 variant allele.
Comment: p.Asn25373Asn in exon 275 of TTN: This variant is not expected to have clinical significance because it does not alter an amino acid residue and is not located within the splice consensus sequence.